The following is an entry in ClinVar:

ClinVar aggregate classification (germline): Uncertain significance (1 of 4 stars; one submission).

Conditions:
Long QT syndrome 1 (LQT1). Identifiers: Orphanet 101016, Orphanet 768, MedGen C4551647, MONDO:0100316, OMIM 192500, MONDO:0008646.

Submission:

Labcorp Genetics (formerly Invitae), Labcorp
Classification: Uncertain significance for Long QT syndrome 1. Last evaluated: 2022-06-07. Review status: criteria provided, single submitter. Criteria: Invitae Variant Classification Sherloc (09022015). Collection method: clinical testing. Allele origin: germline.
Comment: This sequence change replaces alanine, which is neutral and non-polar, with glycine, which is neutral and non-polar, at codon 16 of the CALM3 protein (p.Ala16Gly). This variant is not present in population databases (gnomAD no frequency). This variant has not been reported in the literature in individuals affected with CALM3-related conditions. ClinVar contains an entry for this variant (Variation ID: 659570). Algorithms developed to predict the effect of missense changes on protein structure and function are either unavailable or do not agree on the potential impact of this missense change (SIFT: "Deleterious"; PolyPhen-2: "Possibly Damaging"; Align-GVGD: "Class C0"). In summary, the available evidence is currently insufficient to determine the role of this variant in disease. Therefore, it has been classified as a Variant of Uncertain Significance.

NM_005184.4(CALM3):c.47C>G (p.Ala16Gly)

Gene: CALM3 (calmodulin 3; plus strand). Cytogenetic location: 19q13.32.
Variant type: single nucleotide variant.
Coding change: c.47C>G on transcript NM_005184.4 (MANE Select); coding-DNA position 47, C replaced by G.
Protein change: p.Ala16Gly; replaces alanine 16 with glycine.
Molecular consequence: missense variant. On other transcripts: 5 prime UTR variant (5).
Genome position (GRCh38, 1-based): chr19:46,608,209, C>G. VCF-style: chr19-46608209-C-G. GRCh37 (hg19) VCF-style: chr19-47111466-C-G.
Other names: c.-62C>G (NM_001329921.1, NM_001329923.1, NM_001329924.2 and 2 more transcripts); c.47C>G, p.Ala16Gly (NM_001329922.1); short protein forms A16G.
Identifiers: ClinVar variation 659570 (VCV000659570.10), dbSNP rs1599758635, ClinGen allele CA406471673.
Genomic context (GRCh38, chr19:46,608,209, plus strand): 5'-TCTCCTGTGGACCTTGTGACCTCTGACTCCTCCCCCTTCTTCCCCCAGAGTTCAAGGAGG[C>G]CTTCTCCCTCTTTGACAAGGATGGAGATGGCACTATCACCACCAAGGAGTTGGGGACAGT-3'
Protein context (NP_005175.2, residues 6-26): TEEQIAEFKE[Ala16Gly]FSLFDKDGDG